The following is an entry in ClinVar:

NM_006941.4(SOX10):c.355C>T (p.Arg119Cys)

Genes: POLR2F (RNA polymerase II, I and III subunit F; plus strand), SOX10 (SRY-box transcription factor 10; minus strand). Cytogenetic location: 22q13.1.
Variant type: single nucleotide variant.
Coding change: c.355C>T on transcript NM_006941.4 (MANE Select); coding-DNA position 355, C replaced by T.
Protein change: p.Arg119Cys; replaces arginine 119 with cysteine.
Molecular consequence: missense variant. On other transcripts: intron variant (3).
Genome position (GRCh38, 1-based): chr22:37,983,430, G>A on the plus strand (C>T on the coding strand, the complement: SOX10 is on the minus strand). VCF-style: chr22-37983430-G-A. GRCh37 (hg19) VCF-style: chr22-38379437-G-A.
Other names: c.*38+11120G>A (NM_001363825.1); c.294-2724G>A (NM_001301130.2); c.293+16260G>A (NM_001301131.2); short protein forms R119C.
Identifiers: ClinVar variation 3677192 (VCV003677192.2).
Genomic context (GRCh38, chr22:37,983,430, plus strand): 5'-CCAGCGTCTTGCTGAGCTCAGCGTTGTGCAGGTGCGGGTACTGGTCCGCGAGCTTCCTGC[G>A]CGCTGCCTGAGCCCACACCATGAAGGCGTTCATGGGCCGCTTGACGTGCGGCTTGCTTTT-3'
Protein context (NP_008872.1, residues 109-129): NAFMVWAQAA[Arg119Cys]RKLADQYPHL

ClinVar aggregate classification (germline): Pathogenic (1 of 4 stars; one submission).

Submission:

Labcorp Genetics (formerly Invitae), Labcorp
Classification: Pathogenic. Last evaluated: 2024-11-13. Review status: criteria provided, single submitter. Criteria: Invitae Variant Classification Sherloc (09022015). Collection method: clinical testing. Allele origin: germline.
Comment: This sequence change replaces arginine, which is basic and polar, with cysteine, which is neutral and slightly polar, at codon 119 of the SOX10 protein (p.Arg119Cys). This variant is not present in population databases (gnomAD no frequency). This missense change has been observed in individual(s) with SOX10-related conditions (PMID: 33865100, 36531499). In at least one individual the variant was observed to be de novo. Invitae Evidence Modeling of protein sequence and biophysical properties (such as structural, functional, and spatial information, amino acid conservation, physicochemical variation, residue mobility, and thermodynamic stability) has been performed for this missense variant. However, the output from this modeling did not meet the statistical confidence thresholds required to predict the impact of this variant on SOX10 protein function. This variant disrupts the p.Arg119 amino acid residue in SOX10. Other variant(s) that disrupt this residue have been determined to be pathogenic (Internal data). This suggests that this residue is clinically significant, and that variants that disrupt this residue are likely to be disease-causing. For these reasons, this variant has been classified as Pathogenic.

Literature cited by the submitters: PubMed 33865100; PubMed 36531499.